The following is an entry in ClinVar:

ClinVar aggregate classification (germline): Uncertain significance (1 of 4 stars; one submission).

Submission:

Labcorp Genetics (formerly Invitae), Labcorp
Classification: Uncertain significance. Last evaluated: 2023-09-05. Review status: criteria provided, single submitter. Criteria: Invitae Variant Classification Sherloc (09022015). Collection method: clinical testing. Allele origin: germline.
Comment: In summary, the available evidence is currently insufficient to determine the role of this variant in disease. Therefore, it has been classified as a Variant of Uncertain Significance. This variant has not been reported in the literature in individuals affected with COL10A1-related conditions. This variant is not present in population databases (gnomAD no frequency). This variant, c.822_842dup, results in the insertion of 7 amino acid(s) of the COL10A1 protein (p.Pro275_Lys281dup), but otherwise preserves the integrity of the reading frame.

NM_000493.4(COL10A1):c.822_842dup (p.Lys281_Gly282insProGlyIleProGlyThrLys)

Genes: COL10A1 (collagen type X alpha 1 chain; minus strand), NT5DC1 (5'-nucleotidase domain containing 1; plus strand). Cytogenetic location: 6q22.1.
Variant type: Duplication.
Coding change: c.822_842dup on transcript NM_000493.4 (MANE Select); coding-DNA positions 822 to 842, 21 bases duplicated (GCCAGGGATTCCAGGAACAAA).
Protein change: p.Lys281_Gly282insProGlyIleProGlyThrLys.
Molecular consequence: inframe insertion. On other transcripts: intron variant (1).
Genome position (GRCh38, 1-based): chr6:116,121,274-116,121,294, TTTGTTCCTGGAATCCCTGGC duplicated on the plus strand (GCCAGGGATTCCAGGAACAAA on the coding strand, the reverse complement: COL10A1 is on the minus strand); duplicating any 21 consecutive bases within chr6:116,121,274-116,121,295 gives the same sequence; the c. name uses the placement nearest the transcript's 3' end. VCF-style (leftmost placement, unchanged base first): chr6-116121273-T-TTTTGTTCCTGGAATCCCTGGC. GRCh37 (hg19) VCF-style: chr6-116442436-T-TTTTGTTCCTGGAATCCCTGGC.
Other names: c.822_842dup, p.Lys281_Gly282insProGlyIleProGlyThrLys (NM_001424106.1, NM_001424107.1); c.529+3330_529+3350dup (NM_152729.3).
Identifiers: ClinVar variation 3012130 (VCV003012130.3), dbSNP rs2534089661, ClinGen allele CA2740091471.